The following is an entry in ClinVar:

ClinVar aggregate classification (germline): Uncertain significance (1 of 4 stars; one submission).

Submission:

Labcorp Genetics (formerly Invitae), Labcorp
Classification: Uncertain significance. Last evaluated: 2025-10-13. Review status: criteria provided, single submitter. Criteria: Invitae Variant Classification Sherloc (09022015). Collection method: clinical testing. Allele origin: germline.
Comment: This sequence change replaces leucine, which is neutral and non-polar, with valine, which is neutral and non-polar, at codon 894 of the OPA1 protein (p.Leu894Val). This variant is not present in population databases (gnomAD no frequency). This variant has not been reported in the literature in individuals affected with OPA1-related conditions. Invitae Evidence Modeling of protein sequence and biophysical properties (such as structural, functional, and spatial information, amino acid conservation, physicochemical variation, residue mobility, and thermodynamic stability) indicates that this missense variant is expected to disrupt OPA1 protein function with a positive predictive value of 80%. In summary, the available evidence is currently insufficient to determine the role of this variant in disease. Therefore, it has been classified as a Variant of Uncertain Significance.

NM_130837.3(OPA1):c.2845T>G (p.Leu949Val)

Gene: OPA1 (OPA1 mitochondrial dynamin like GTPase; plus strand). Cytogenetic location: 3q29.
Variant type: single nucleotide variant.
Coding change: c.2845T>G on transcript NM_130837.3 (MANE Select); coding-DNA position 2845, T replaced by G.
Protein change: p.Leu949Val; replaces leucine 949 with valine.
Molecular consequence: missense variant.
Genome position (GRCh38, 1-based): chr3:193,666,362, T>G. VCF-style: chr3-193666362-T-G. GRCh37 (hg19) VCF-style: chr3-193384151-T-G.
Other names: c.2311T>G, p.Leu771Val (NM_001354663.2); c.2308T>G, p.Leu770Val (NM_001354664.2); c.2680T>G, p.Leu894Val (NM_015560.3); c.2572T>G, p.Leu858Val (NM_130831.3); c.2626T>G, p.Leu876Val (NM_130832.3); c.2683T>G, p.Leu895Val (NM_130833.3); c.2734T>G, p.Leu912Val (NM_130834.3); c.2737T>G, p.Leu913Val (NM_130835.3); and 1 more; short protein forms L876V, L858V, L894V, L895V, L913V, L931V, L770V, L912V.
Identifiers: ClinVar variation 4744320 (VCV004744320.1).